The following is an entry in ClinVar:

ClinVar aggregate classification (germline): Uncertain significance (1 of 4 stars; one submission).

Conditions:
NCOA1-related disorder. Also called: NCOA1-related condition.

gnomAD v4.1: 1 of 1,614,226 alleles (0.000062%); no homozygotes.

Submission:

PreventionGenetics, part of Exact Sciences
Classification: Uncertain significance for NCOA1-related condition. Last evaluated: 2025-06-23. Review status: criteria provided, single submitter. Criteria: ACMG Guidelines, 2015. Collection method: clinical testing. Allele origin: germline.
Comment: The NCOA1 c.1801A>G variant is predicted to result in the amino acid substitution p.Ser601Gly. To our knowledge, this variant has not been reported in the literature or in a large population database (gnomAD), indicating this variant is rare. At this time, the clinical significance of this variant is uncertain due to the absence of conclusive functional and genetic evidence.

NM_003743.5(NCOA1):c.1801A>G (p.Ser601Gly)

Gene: NCOA1 (nuclear receptor coactivator 1; plus strand). Cytogenetic location: 2p23.3.
Variant type: single nucleotide variant.
Coding change: c.1801A>G on transcript NM_003743.5 (MANE Select); coding-DNA position 1801, A replaced by G.
Protein change: p.Ser601Gly; replaces serine 601 with glycine.
Molecular consequence: missense variant.
Genome position (GRCh38, 1-based): chr2:24,707,271, A>G. VCF-style: chr2-24707271-A-G. GRCh37 (hg19) VCF-style: chr2-24930140-A-G.
Other names: c.1801A>G, p.Ser601Gly (NM_001362950.1, NM_001362952.1, NM_001362954.1 and 3 more transcripts); short protein forms S601G.
Identifiers: ClinVar variation 5000383 (VCV005000383.1).